The following is an entry in ClinVar:

NM_001378454.1(ALMS1):c.4435G>A (p.Gly1479Arg)

Gene: ALMS1 (ALMS1 centrosome and basal body associated protein; plus strand). Cytogenetic location: 2p13.1.
Variant type: single nucleotide variant.
Coding change: c.4435G>A on transcript NM_001378454.1 (MANE Select); coding-DNA position 4435, G replaced by A.
Protein change: p.Gly1479Arg; replaces glycine 1479 with arginine.
Molecular consequence: missense variant.
Genome position (GRCh38, 1-based): chr2:73,450,962, G>A. VCF-style: chr2-73450962-G-A. GRCh37 (hg19) VCF-style: chr2-73678089-G-A.
Other names: c.4438G>A, p.Gly1480Arg (NM_015120.4); short protein forms G1479R, G1480R.
Identifiers: ClinVar variation 1441519 (VCV001441519.8), dbSNP rs750765175, ClinGen allele CA1713709.
Genomic context (GRCh38, chr2:73,450,962, plus strand): 5'-CCTGGACCAGTTGACCAGACGATTGGCACACCAACTGTAACCTCCCCTTCCAGCTCATTT[G>A]GAGAGAAGCCCATTGTTATCTACAAACAGGCCTTTCCAGAGGGTCATCTACCTGAAGAGT-3'
Protein context (NP_001365383.1, residues 1469-1489): PTVTSPSSSF[Gly1479Arg]EKPIVIYKQA

ClinVar aggregate classification (germline): Conflicting classifications of pathogenicity. Review status: criteria provided, conflicting classifications (1 of 4 stars). 4 submissions from 4 submitters: Uncertain significance (3); Likely benign (1). Last evaluated 2026-04-15.

Conditions:
Cardiovascular phenotype. Identifiers: MedGen CN230736.
Alstrom syndrome (ALMS). Identifiers: Orphanet 64, MedGen C0268425, MONDO:0008763, OMIM 203800.

Allele frequency attached by ClinVar (database versions not stated): ExAC 0.00001; TOPMed 0.00005; gnomAD 0.00003; gnomAD exomes below 0.00001.
gnomAD v4.1: 4 of 1,613,660 alleles (0.00025%); highest among the groups gnomAD compares: African/African-American, 0.0053%; no homozygotes.

Submissions (4):

GeneDx
Classification: Uncertain significance. Last evaluated: 2026-04-15. Review status: criteria provided, single submitter. Criteria: GeneDx Variant Classification Process June 2021. Collection method: clinical testing. Allele origin: germline.
Comment: Not observed at significant frequency in large population cohorts (gnomAD); In silico analysis suggests that this missense variant does not alter protein structure/function; Has not been previously published as pathogenic or benign to our knowledge

Labcorp Genetics (formerly Invitae), Labcorp
Classification: Uncertain significance for Alstrom syndrome. Last evaluated: 2025-02-03. Review status: criteria provided, single submitter. Criteria: Invitae Variant Classification Sherloc (09022015). Collection method: clinical testing. Allele origin: germline.
Comment: This sequence change replaces glycine, which is neutral and non-polar, with arginine, which is basic and polar, at codon 1480 of the ALMS1 protein (p.Gly1480Arg). This variant is present in population databases (rs750765175, gnomAD 0.008%). This variant has not been reported in the literature in individuals affected with ALMS1-related conditions. ClinVar contains an entry for this variant (Variation ID: 1441519). Experimental studies and prediction algorithms are not available or were not evaluated, and the functional significance of this variant is currently unknown. In summary, the available evidence is currently insufficient to determine the role of this variant in disease. Therefore, it has been classified as a Variant of Uncertain Significance.

Ambry Genetics
Classification: Likely benign for Cardiovascular phenotype. Last evaluated: 2024-06-26. Review status: criteria provided, single submitter. Criteria: Ambry Variant Classification Scheme 2023. Collection method: clinical testing. Allele origin: germline.

Fulgent Genetics
Classification: Uncertain significance for Alstrom syndrome. Last evaluated: 2022-02-17. Review status: criteria provided, single submitter. Criteria: ACMG Guidelines, 2015. Collection method: clinical testing. Allele origin: unknown.